The following is an entry in ClinVar:

ClinVar aggregate classification (germline): Uncertain significance (1 of 4 stars; one submission).

Conditions:
Combined immunodeficiency due to CD3gamma deficiency. Also called: SCID-LIKE IMMUNODEFICIENCY, T CELL-PARTIAL, B CELL-POSITIVE, NK CELL-POSITIVE; Immunodeficiency 17, CD3 gamma deficient; CD3-GAMMA DEFICIENCY; Immunodeficiency 17. Identifiers: Orphanet 169082, MedGen C3810107, MONDO:0014276, OMIM 615607.

Submission:

Labcorp Genetics (formerly Invitae), Labcorp
Classification: Uncertain significance for Combined immunodeficiency due to CD3gamma deficiency. Last evaluated: 2021-11-26. Review status: criteria provided, single submitter. Criteria: Invitae Variant Classification Sherloc (09022015). Collection method: clinical testing. Allele origin: germline.
Comment: This sequence change replaces alanine, which is neutral and non-polar, with glycine, which is neutral and non-polar, at codon 113 of the CD3G protein (p.Ala113Gly). This variant is not present in population databases (gnomAD no frequency). This variant has not been reported in the literature in individuals affected with CD3G-related conditions. Algorithms developed to predict the effect of missense changes on protein structure and function output the following: SIFT: "Tolerated"; PolyPhen-2: "Benign"; Align-GVGD: "Class C0". The glycine amino acid residue is found in multiple mammalian species, which suggests that this missense change does not adversely affect protein function. In summary, the available evidence is currently insufficient to determine the role of this variant in disease. Therefore, it has been classified as a Variant of Uncertain Significance.

NM_000073.3(CD3G):c.338C>G (p.Ala113Gly)

Genes: CD3G (CD3 gamma subunit of T-cell receptor complex; plus strand), LOC126861358 (BRD4-independent group 4 enhancer GRCh37_chr11:118220212-118221411; plus strand). Cytogenetic location: 11q23.3.
Variant type: single nucleotide variant.
Coding change: c.338C>G on transcript NM_000073.3 (MANE Select); coding-DNA position 338, C replaced by G.
Protein change: p.Ala113Gly; replaces alanine 113 with glycine.
Molecular consequence: missense variant.
Genome position (GRCh38, 1-based): chr11:118,350,582, C>G. VCF-style: chr11-118350582-C-G. GRCh37 (hg19) VCF-style: chr11-118221297-C-G.
Other names: short protein forms A113G.
Identifiers: ClinVar variation 1997728 (VCV001997728.4), dbSNP rs2134070662, ClinGen allele CA382793781.